The following is an entry in ClinVar:

ClinVar aggregate classification (germline): Uncertain significance (1 of 4 stars; one submission).

Allele frequency attached by ClinVar (database versions not stated): gnomAD exomes below 0.00001; ExAC 0.00001; gnomAD 0.00001; TOPMed 0.00001.

Submission:

Labcorp Genetics (formerly Invitae), Labcorp
Classification: Uncertain significance. Last evaluated: 2024-05-06. Review status: criteria provided, single submitter. Criteria: Invitae Variant Classification Sherloc (09022015). Collection method: clinical testing. Allele origin: germline.
Comment: This sequence change replaces methionine, which is neutral and non-polar, with valine, which is neutral and non-polar, at codon 1088 of the ADNP protein (p.Met1088Val). This variant is present in population databases (rs773520278, gnomAD 0.003%). This variant has not been reported in the literature in individuals affected with ADNP-related conditions. An algorithm developed to predict the effect of missense changes on protein structure and function (PolyPhen-2) suggests that this variant is likely to be tolerated. In summary, the available evidence is currently insufficient to determine the role of this variant in disease. Therefore, it has been classified as a Variant of Uncertain Significance.

NM_001282531.3(ADNP):c.3262A>G (p.Met1088Val)

Gene: ADNP (activity dependent neuroprotector homeobox; minus strand). Cytogenetic location: 20q13.13.
Variant type: single nucleotide variant.
Coding change: c.3262A>G on transcript NM_001282531.3 (MANE Select); coding-DNA position 3262, A replaced by G.
Protein change: p.Met1088Val; replaces methionine 1088 with valine.
Molecular consequence: missense variant.
Genome position (GRCh38, 1-based): chr20:50,891,452, T>C on the plus strand (A>G on the coding strand, the complement: ADNP is on the minus strand). VCF-style: chr20-50891452-T-C. GRCh37 (hg19) VCF-style: chr20-49507989-T-C.
Other names: c.3262A>G, p.Met1088Val (NM_001282532.2, NM_001347511.2, NM_015339.5 and 1 more transcripts); short protein forms M1088V.
Identifiers: ClinVar variation 2829629 (VCV002829629.3), dbSNP rs773520278, ClinGen allele CA9908419.
Genomic context (GRCh38, chr20:50,891,452, plus strand): 5'-GGGAACCTGGCACTTAGGCCTGTTGGCTGCTCAGTTTAACTCCGGCTAAGCTGCCATGCA[T>C]GGGCTCAGCTACTCCATCAGTCATGTTGTCAAACTGTTCCCCATCCTCACTGTCAATTGT-3'
Protein context (NP_001269460.1, residues 1078-1098): DNMTDGVAEP[Met1088Val]HGSLAGVKLS